The following is an entry in ClinVar:

NM_000138.5(FBN1):c.4337-3A>C

Gene: FBN1 (fibrillin 1; minus strand). Cytogenetic location: 15q21.1.
Variant type: single nucleotide variant.
Coding change: c.4337-3A>C on transcript NM_000138.5 (MANE Select); 3 bases into the intron before coding-DNA position 4337, A replaced by C.
Molecular consequence: intron variant.
Genome position (GRCh38, 1-based): chr15:48,470,759, T>G on the plus strand (A>C on the coding strand, the complement: FBN1 is on the minus strand). VCF-style: chr15-48470759-T-G. GRCh37 (hg19) VCF-style: chr15-48762956-T-G.
Identifiers: ClinVar variation 263868 (VCV000263868.17), dbSNP rs770551687, ClinGen allele CA052645.

ClinVar aggregate classification (germline): Conflicting classifications of pathogenicity. Review status: criteria provided, conflicting classifications (1 of 4 stars). 5 submissions from 5 submitters: Uncertain significance (2); Likely benign (3). Last evaluated 2026-08-18.

Conditions:
Familial thoracic aortic aneurysm and aortic dissection (TAAD). Also called: Thoracic aortic aneurysms and dissections. Identifiers: Orphanet 91387, MedGen C4707243, MONDO:0019625.
Marfan syndrome (MFS). Also called: Marfan syndrome, classic; MARFAN SYNDROME, TYPE I; FBN1-Related Marfan Syndrome; Marfan syndrome type 1; Marfan's syndrome. Identifiers: Orphanet 284963, Orphanet 558, MedGen C0024796, MONDO:0007947, OMIM 154700.

Allele frequency attached by ClinVar (database versions not stated): gnomAD exomes below 0.00001 and 0.00002; ExAC 0.00001; TOPMed 0.00001.
gnomAD v4.1: 6 of 1,613,810 alleles (0.00037%); highest among the groups gnomAD compares: Admixed American, 0.01%; no homozygotes.

Submissions (5):

Ambry Genetics
Classification: Uncertain significance for Familial thoracic aortic aneurysm and aortic dissection. Last evaluated: 2026-08-18. Review status: criteria provided, single submitter. Criteria: Ambry Variant Classification Scheme 2023. Collection method: clinical testing. Allele origin: germline.
Comment: The c.4337-3A>C intronic variant results from an A to C substitution 3 nucleotides upstream from coding exon 35 in the FBN1 gene. This nucleotide position is not well conserved in available vertebrate species. In silico splice site analysis predicts that this alteration will not have any significant effect on splicing. Based on the available evidence, the clinical significance of this variant remains unclear.

CeGaT Center for Human Genetics Tuebingen
Classification: Likely benign. Last evaluated: 2026-06-01. Review status: criteria provided, single submitter. Criteria: CeGaT Center For Human Genetics Tuebingen Variant Classification Criteria Version 2. Collection method: clinical testing. Allele origin: germline. Affected: yes. Observed: 1 variant allele.
Comment: FBN1: BP4

Labcorp Genetics (formerly Invitae), Labcorp
Classification: Uncertain significance for Marfan syndrome; Familial thoracic aortic aneurysm and aortic dissection. Last evaluated: 2025-09-22. Review status: criteria provided, single submitter. Criteria: Invitae Variant Classification Sherloc (09022015). Collection method: clinical testing. Allele origin: germline.
Comment: This sequence change falls in intron 35 of the FBN1 gene. It does not directly change the encoded amino acid sequence of the FBN1 protein. It affects a nucleotide within the consensus splice site. This variant is present in population databases (rs770551687, gnomAD 0.01%). This variant has not been reported in the literature in individuals affected with FBN1-related conditions. ClinVar contains an entry for this variant (Variation ID: 263868). Variants that disrupt the consensus splice site are a relatively common cause of aberrant splicing (PMID: 17576681, 9536098). Algorithms developed to predict the effect of sequence changes on RNA splicing suggest that this variant is not likely to affect RNA splicing. In summary, the available evidence is currently insufficient to determine the role of this variant in disease. Therefore, it has been classified as a Variant of Uncertain Significance.

All of Us Research Program, National Institutes of Health
Classification: Likely benign for Marfan syndrome. Last evaluated: 2023-06-26. Review status: criteria provided, single submitter. Criteria: ACMG Guidelines, 2015. Collection method: clinical testing. Allele origin: germline. Inheritance: Autosomal dominant inheritance. Observed: 1 variant allele, 1 heterozygote.
Comment: This study involves interpretation of variants in research participants for the purpose of population health screening. Participant phenotype was not available at the time of variant classification. Additional details can be found in publication PMID: 35346344, PMCID: PMC8962531

Color Diagnostics, LLC DBA Color Health
Classification: Likely benign for Familial thoracic aortic aneurysm and aortic dissection. Last evaluated: 2019-01-11. Review status: criteria provided, single submitter. Criteria: ACMG Guidelines, 2015. Collection method: clinical testing. Allele origin: germline.

Literature cited by the submitters: PubMed 17576681 (cited by Labcorp Genetics (formerly Invitae), Labcorp); PubMed 9536098 (cited by Labcorp Genetics (formerly Invitae), Labcorp).